The following is an entry in ClinVar:

NM_005751.5(AKAP9):c.9970G>T (p.Ala3324Ser)

Gene: AKAP9 (A-kinase anchoring protein 9; plus strand). Cytogenetic location: 7q21.2.
Variant type: single nucleotide variant.
Coding change: c.9970G>T on transcript NM_005751.5 (MANE Select); coding-DNA position 9970, G replaced by T.
Protein change: p.Ala3324Ser; replaces alanine 3324 with serine.
Molecular consequence: missense variant.
Genome position (GRCh38, 1-based): chr7:92,096,929, G>T. VCF-style: chr7-92096929-G-T. GRCh37 (hg19) VCF-style: chr7-91726243-G-T.
Other names: c.4615G>T, p.Ala1539Ser (NM_001379277.1); c.9946G>T, p.Ala3316Ser (NM_147185.3); short protein forms A1539S, A3316S, A3324S.
Identifiers: ClinVar variation 4744983 (VCV004744983.1).

ClinVar aggregate classification (germline): Uncertain significance (1 of 4 stars; one submission).

Conditions:
Long QT syndrome (LQTS). Identifiers: MedGen C0023976, MeSH D008133, MONDO:0002442. Disease mechanism: loss of function. Inheritance: Various modes of inheritance.

gnomAD v4.1: 3 of 1,614,160 alleles (0.00019%); highest among the groups gnomAD compares: African/African-American, 0.0013%; no homozygotes.

Submission:

Labcorp Genetics (formerly Invitae), Labcorp
Classification: Uncertain significance for Long QT syndrome. Last evaluated: 2025-05-14. Review status: criteria provided, single submitter. Criteria: Invitae Variant Classification Sherloc (09022015). Collection method: clinical testing. Allele origin: germline.
Comment: This sequence change replaces alanine, which is neutral and non-polar, with serine, which is neutral and polar, at codon 3324 of the AKAP9 protein (p.Ala3324Ser). This variant is not present in population databases (gnomAD no frequency). This variant has not been reported in the literature in individuals affected with AKAP9-related conditions. An algorithm developed to predict the effect of missense changes on protein structure and function (PolyPhen-2) suggests that this variant is likely to be disruptive. In summary, the available evidence is currently insufficient to determine the role of this variant in disease. Therefore, it has been classified as a Variant of Uncertain Significance.